The following is an entry in ClinVar:

ClinVar aggregate classification (germline): Pathogenic. Review status: criteria provided, multiple submitters, no conflicts (2 of 4 stars). 2 submissions from 2 submitters: Pathogenic (2). Last evaluated 2026-02-25.

Conditions:
Neurofibromatosis, type 1 (NF1). Also called: Neurofibromatosis, type I; NEUROFIBROMATOSIS, TYPE I, SOMATIC; Peripheral type neurofibromatosis; VON RECKLINGHAUSEN DISEASE. Identifiers: Orphanet 636, MedGen C0027831, MONDO:0018975, OMIM 162200. Disease mechanism: loss of function.

Submissions (2):

Myriad Genetics, Inc.
Classification: Pathogenic for Neurofibromatosis, type 1. Last evaluated: 2026-02-25. Review status: criteria provided, single submitter. Criteria: Myriad Autosomal Dominant, Autosomal Recessive and X-Linked Classification Criteria (2023). Collection method: clinical testing. Allele origin: unknown.
Comment: This variant is considered pathogenic. This variant creates a termination codon and is predicted to result in premature protein truncation.

Labcorp Genetics (formerly Invitae), Labcorp
Classification: Pathogenic for Neurofibromatosis, type 1. Last evaluated: 2024-12-16. Review status: criteria provided, single submitter. Criteria: Invitae Variant Classification Sherloc (09022015). Collection method: clinical testing. Allele origin: germline.
Comment: This sequence change creates a premature translational stop signal (p.Tyr227*) in the NF1 gene. It is expected to result in an absent or disrupted protein product. Loss-of-function variants in NF1 are known to be pathogenic (PMID: 10712197, 23913538). This variant is not present in population databases (gnomAD no frequency). This premature translational stop signal has been observed in individual(s) with neurofibromatosis, type 1 (PMID: 23913538; internal data). ClinVar contains an entry for this variant (Variation ID: 580256). For these reasons, this variant has been classified as Pathogenic.

Literature cited by the submitters: PubMed 10712197 (cited by Labcorp Genetics (formerly Invitae), Labcorp); PubMed 23913538 (cited by Labcorp Genetics (formerly Invitae), Labcorp).

NM_001042492.3(NF1):c.681T>A (p.Tyr227Ter)

Gene: NF1 (neurofibromin 1; plus strand). Cytogenetic location: 17q11.2.
Variant type: single nucleotide variant.
Coding change: c.681T>A on transcript NM_001042492.3 (MANE Select); coding-DNA position 681, T replaced by A.
Protein change: p.Tyr227Ter; replaces tyrosine 227 with a stop codon.
Molecular consequence: nonsense.
Genome position (GRCh38, 1-based): chr17:31,181,736, T>A. VCF-style: chr17-31181736-T-A. GRCh37 (hg19) VCF-style: chr17-29508754-T-A.
Other names: c.681T>A, p.Tyr227Ter (NM_000267.4, NM_001128147.3); short protein forms Y227*.
Identifiers: ClinVar variation 580256 (VCV000580256.8), dbSNP rs745804540, ClinGen allele CA398989860.